The following is an entry in ClinVar:

NM_002470.4(MYH3):c.5732C>T (p.Ala1911Val)

Gene: MYH3 (myosin heavy chain 3; minus strand). Cytogenetic location: 17p13.1.
Variant type: single nucleotide variant.
Coding change: c.5732C>T on transcript NM_002470.4 (MANE Select); coding-DNA position 5732, C replaced by T.
Protein change: p.Ala1911Val; replaces alanine 1911 with valine.
Molecular consequence: missense variant.
Genome position (GRCh38, 1-based): chr17:10,629,661, G>A on the plus strand (C>T on the coding strand, the complement: MYH3 is on the minus strand). VCF-style: chr17-10629661-G-A. GRCh37 (hg19) VCF-style: chr17-10532978-G-A.
Other names: short protein forms A1911V.
Identifiers: ClinVar variation 1721213 (VCV001721213.5), dbSNP rs1439372634, ClinGen allele CA398129519.

ClinVar aggregate classification (germline): Uncertain significance (1 of 4 stars; one submission).

Allele frequency attached by ClinVar (database versions not stated): gnomAD exomes below 0.00001; TOPMed below 0.00001; gnomAD 0.00001.
gnomAD v4.1: 2 of 1,614,064 alleles (0.00012%); highest among the groups gnomAD compares: African/African-American, 0.0013%; no homozygotes.

Submission:

Labcorp Genetics (formerly Invitae), Labcorp
Classification: Uncertain significance. Last evaluated: 2022-10-17. Review status: criteria provided, single submitter. Criteria: Invitae Variant Classification Sherloc (09022015). Collection method: clinical testing. Allele origin: germline.
Comment: This variant has not been reported in the literature in individuals affected with MYH3-related conditions. This sequence change replaces alanine, which is neutral and non-polar, with valine, which is neutral and non-polar, at codon 1911 of the MYH3 protein (p.Ala1911Val). This variant is not present in population databases (gnomAD no frequency). Advanced modeling of protein sequence and biophysical properties (such as structural, functional, and spatial information, amino acid conservation, physicochemical variation, residue mobility, and thermodynamic stability) performed at Invitae indicates that this missense variant is not expected to disrupt MYH3 protein function. In summary, the available evidence is currently insufficient to determine the role of this variant in disease. Therefore, it has been classified as a Variant of Uncertain Significance.